The following is an entry in ClinVar:

NM_012144.4(DNAI1):c.22G>T (p.Ala8Ser)

Gene: DNAI1 (dynein axonemal intermediate chain 1; plus strand). Cytogenetic location: 9p13.3.
Variant type: single nucleotide variant.
Coding change: c.22G>T on transcript NM_012144.4 (MANE Select); coding-DNA position 22, G replaced by T.
Protein change: p.Ala8Ser; replaces alanine 8 with serine.
Molecular consequence: missense variant.
Genome position (GRCh38, 1-based): chr9:34,459,027, G>T. VCF-style: chr9-34459027-G-T. GRCh37 (hg19) VCF-style: chr9-34459025-G-T.
Other names: c.22G>T, p.Ala8Ser (NM_001281428.2); short protein forms A8S.
Identifiers: ClinVar variation 178761 (VCV000178761.27), dbSNP rs11547035, ClinGen allele CA182956.
Genomic context (GRCh38, chr9:34,459,027, plus strand): 5'-CAGACGAGGGAGCGTTTTGTAGGCTCTCCAGGGGTTGAGATGATTCCTGCTTCTGCGAAG[G>T]CTCCCCATAAACAGCCTCATAAGCAGGTAACGTACGCACACCTTCCTTCTGATGACCTCT-3'
Protein context (NP_036276.1, residues 1-18): MIPASAK[Ala8Ser]PHKQPHKQSI

ClinVar aggregate classification (germline): Benign/Likely benign. Review status: criteria provided, multiple submitters, no conflicts (2 of 4 stars). 9 submissions from 9 submitters: Benign (6); Likely benign (2). 1 of the submissions does not count toward it. Last evaluated 2026-02-03.

Conditions:
Primary ciliary dyskinesia. Also called: Ciliary dyskinesia. Identifiers: Orphanet 244, MedGen C0008780, MONDO:0016575, HP:0012265.

Allele frequency attached by ClinVar (database versions not stated): 1000 Genomes Project 30x 0.02904; 1000 Genomes Project 0.02955; TOPMed 0.04308; ESP Exome Variant Server 0.04782.
gnomAD v4.1: 99,469 of 1,613,884 alleles (6.2%); highest among the groups gnomAD compares: Non-Finnish European, 6.7%; 3,592 homozygotes.

Submissions (9):

Labcorp Genetics (formerly Invitae), Labcorp
Classification: Benign for Primary ciliary dyskinesia. Last evaluated: 2026-02-03. Review status: criteria provided, single submitter. Criteria: Invitae Variant Classification Sherloc (09022015). Collection method: clinical testing. Allele origin: germline.

Blueprint Genetics
Classification: Likely benign. Last evaluated: 2024-11-27. Review status: criteria provided, single submitter. Criteria: ACMG Guidelines, 2015. Collection method: clinical testing. Allele origin: germline.

Mayo Clinic Laboratories, Mayo Clinic
Classification: Benign. Last evaluated: 2022-04-26. Review status: criteria provided, single submitter. Criteria: ACMG Guidelines, 2015. Collection method: clinical testing. Allele origin: germline. Observed: 27 variant alleles.

GeneDx
Classification: Benign. Last evaluated: 2019-03-03. Review status: criteria provided, single submitter. Criteria: GeneDx Variant Classification Process June 2021. Collection method: clinical testing. Allele origin: germline. Affected: yes.

Ambry Genetics
Classification: Benign for Primary ciliary dyskinesia. Last evaluated: 2014-12-01. Review status: criteria provided, single submitter. Criteria: Ambry Variant Classification Scheme 2023. Collection method: clinical testing. Allele origin: germline.

Laboratory for Molecular Medicine, Mass General Brigham Personalized Medicine
Classification: Benign. Last evaluated: 2013-02-21. Review status: criteria provided, single submitter. Criteria: LMM Criteria. Collection method: clinical testing. Allele origin: germline. Observed: 12 variant alleles.
Comment: Ala8Ser in exon 1 of DNAI1: This variant is not expected to have clinical signif icance because it has been identified in 6.3% (542/8600) of European American ch romosomes from a broad population by the NHLBI Exome Sequencing Project (dbSNP rs11547035).

Breakthrough Genomics
Classification: Likely benign. Review status: criteria provided, single submitter. Criteria: ACMG Guidelines, 2015. Collection method: not provided. Allele origin: germline. Inheritance: Autosomal recessive inheritance. Affected: yes.

PreventionGenetics, part of Exact Sciences
Classification: Benign. Review status: criteria provided, single submitter. Criteria: ACMG Guidelines, 2015. Collection method: clinical testing. Allele origin: germline.

Natera, Inc.
Classification: Benign for Primary ciliary dyskinesia. Last evaluated: 2020-09-16. Review status: no assertion criteria provided. Collection method: clinical testing. Allele origin: germline. Not counted in ClinVar's aggregate classification.